The following is an entry in ClinVar:

NM_000487.6(ARSA):c.558C>T (p.Asn186=)

Gene: ARSA (arylsulfatase A; minus strand). Cytogenetic location: 22q13.33.
Variant type: single nucleotide variant.
Coding change: c.558C>T on transcript NM_000487.6 (MANE Select); coding-DNA position 558, C replaced by T.
Protein change: p.Asn186=; no amino-acid change (asparagine 186 retained).
Molecular consequence: synonymous variant.
Genome position (GRCh38, 1-based): chr22:50,626,960, G>A on the plus strand (C>T on the coding strand, the complement: ARSA is on the minus strand). VCF-style: chr22-50626960-G-A. GRCh37 (hg19) VCF-style: chr22-51065388-G-A.
Other names: p.Asn186=; c.558C>T, p.Asn186= (NM_001085425.3, NM_001085426.3, NM_001085427.3); c.300C>T, p.Asn100= (NM_001085428.3, NM_001362782.2).
Identifiers: ClinVar variation 718164 (VCV000718164.17), dbSNP rs574416131, ClinGen allele CA10324981.

ClinVar aggregate classification (germline): Benign/Likely benign. Review status: criteria provided, multiple submitters, no conflicts (2 of 4 stars). 6 submissions from 6 submitters: Benign (1); Likely benign (1). 4 of the submissions do not count toward it. Last evaluated 2026-01-16.

Conditions:
ARSA-related disorder. Also called: ARSA-related condition.
Metachromatic leukodystrophy (MLD). Also called: Cerebral sclerosis diffuse metachromatic form; METACHROMATIC LEUKOENCEPHALOPATHY; SULFATIDE LIPIDOSIS; ARSA DEFICIENCY; CEREBROSIDE SULFATASE DEFICIENCY; Arylsulfatase A Deficiency. Identifiers: Orphanet 512, MedGen C0023522, MONDO:0018868, OMIM 250100.

Allele frequency attached by ClinVar (database versions not stated): gnomAD 0.00001 and 0.00010; TOPMed 0.00003; gnomAD exomes 0.00035; ExAC 0.00046; 1000 Genomes Project 30x 0.00219; 1000 Genomes Project 0.00240.
gnomAD v4.1: 226 of 1,613,066 alleles (0.014%); highest among the groups gnomAD compares: South Asian, 0.23%; 2 homozygotes.

Submissions (6):

Labcorp Genetics (formerly Invitae), Labcorp
Classification: Benign for Metachromatic leukodystrophy. Last evaluated: 2026-01-16. Review status: criteria provided, single submitter. Criteria: Invitae Variant Classification Sherloc (09022015). Collection method: clinical testing. Allele origin: germline.

Mayo Clinic Laboratories, Mayo Clinic
Classification: Likely benign. Last evaluated: 2025-09-26. Review status: criteria provided, single submitter. Criteria: ACMG Guidelines, 2015. Collection method: clinical testing. Allele origin: germline. Observed: 1 variant allele.
Comment: BS1, BP4, BP7

Natera, Inc.
Classification: Likely benign for Metachromatic leukodystrophy. Last evaluated: 2020-04-30. Review status: no assertion criteria provided. Collection method: clinical testing. Allele origin: germline. Not counted in ClinVar's aggregate classification.

PreventionGenetics, part of Exact Sciences
Classification: Likely benign for ARSA-related condition. Last evaluated: 2019-06-21. Review status: no assertion criteria provided. Collection method: clinical testing. Allele origin: germline. Not counted in ClinVar's aggregate classification.
Comment: This variant is classified as likely benign based on ACMG/AMP sequence variant interpretation guidelines (Richards et al. 2015 PMID: 25741868, with internal and published modifications).

Clinical Genetics DNA and cytogenetics Diagnostics Lab, Erasmus MC, Erasmus Medical Center
Classification: Likely benign. Review status: no assertion criteria provided. Collection method: clinical testing. Allele origin: germline. Affected: yes. Study: VKGL Data-share Consensus. Not counted in ClinVar's aggregate classification.

Clinical Genetics, Academic Medical Center
Classification: Likely benign. Review status: no assertion criteria provided. Collection method: clinical testing. Allele origin: germline. Affected: yes. Study: VKGL Data-share Consensus. Not counted in ClinVar's aggregate classification.